The following is an entry in ClinVar:

ClinVar aggregate classification (germline): Uncertain significance (1 of 4 stars; one submission).

Conditions:
Emery-Dreifuss muscular dystrophy 4, autosomal dominant (EDMD4). Also called: EMERY-DREIFUSS MUSCULAR DYSTROPHY 4 WITH VARIABLE FEATURES. Identifiers: Orphanet 261, MedGen C2751807, MONDO:0013071, OMIM 612998.
Autosomal recessive ataxia, Beauce type. Also called: Spinocerebellar ataxia, autosomal recessive 8; ATAXIA, RECESSIVE, OF BEAUCE; SYNE1-Related Autosomal Recessive Cerebellar Ataxia; SYNE1 Deficiency. Identifiers: Orphanet 88644, MedGen C1853116, MONDO:0012549, OMIM 610743.

Allele frequency attached by ClinVar (database versions not stated): gnomAD 0.00001.
gnomAD v4.1: 5 of 1,613,402 alleles (0.00031%); highest among the groups gnomAD compares: Admixed American, 0.005%; no homozygotes.

Submission:

Labcorp Genetics (formerly Invitae), Labcorp
Classification: Uncertain significance for Emery-Dreifuss muscular dystrophy 4, autosomal dominant; Autosomal recessive ataxia, Beauce type. Last evaluated: 2024-04-23. Review status: criteria provided, single submitter. Criteria: Invitae Variant Classification Sherloc (09022015). Collection method: clinical testing. Allele origin: germline.
Comment: This sequence change replaces threonine, which is neutral and polar, with alanine, which is neutral and non-polar, at codon 8364 of the SYNE1 protein (p.Thr8364Ala). This variant is not present in population databases (gnomAD no frequency). This variant has not been reported in the literature in individuals affected with SYNE1-related conditions. ClinVar contains an entry for this variant (Variation ID: 2187083). Algorithms developed to predict the effect of missense changes on protein structure and function output the following: SIFT: "Not Available"; PolyPhen-2: "Benign"; Align-GVGD: "Not Available". The alanine amino acid residue is found in multiple mammalian species, which suggests that this missense change does not adversely affect protein function. In summary, the available evidence is currently insufficient to determine the role of this variant in disease. Therefore, it has been classified as a Variant of Uncertain Significance.

NM_182961.4(SYNE1):c.25234A>G (p.Thr8412Ala)

Gene: SYNE1 (spectrin repeat containing nuclear envelope protein 1; minus strand). Cytogenetic location: 6q25.2.
Variant type: single nucleotide variant.
Coding change: c.25234A>G on transcript NM_182961.4 (MANE Select); coding-DNA position 25234, A replaced by G.
Protein change: p.Thr8412Ala; replaces threonine 8412 with alanine.
Molecular consequence: missense variant.
Genome position (GRCh38, 1-based): chr6:152,141,215, T>C on the plus strand (A>G on the coding strand, the complement: SYNE1 is on the minus strand). VCF-style: chr6-152141215-T-C. GRCh37 (hg19) VCF-style: chr6-152462350-T-C.
Other names: c.1840A>G, p.Thr614Ala (NM_001347701.2); c.1768A>G, p.Thr590Ala (NM_001347702.2); c.25090A>G, p.Thr8364Ala (NM_033071.5); short protein forms T590A, T614A, T8412A, T8364A.
Identifiers: ClinVar variation 2187083 (VCV002187083.4), dbSNP rs1048065610, ClinGen allele CA366081264.